The following is an entry in ClinVar:

ClinVar aggregate classification (germline): Uncertain significance (1 of 4 stars; one submission).

Conditions:
Hereditary cancer-predisposing syndrome. Also called: Hereditary Cancer Syndrome; Tumor predisposition; Hereditary neoplastic syndrome; Neoplastic Syndromes, Hereditary. Identifiers: Orphanet 140162, MedGen C0027672, MeSH D009386, MONDO:0015356.

Submission:

Ambry Genetics
Classification: Uncertain significance for Hereditary cancer-predisposing syndrome. Last evaluated: 2024-05-18. Review status: criteria provided, single submitter. Criteria: Ambry Variant Classification Scheme 2023. Collection method: clinical testing. Allele origin: germline.
Comment: The p.P418T variant (also known as c.1252C>A), located in coding exon 4 of the BARD1 gene, results from a C to A substitution at nucleotide position 1252. The proline at codon 418 is replaced by threonine, an amino acid with highly similar properties. This amino acid position is conserved. In addition, this alteration is predicted to be tolerated by in silico analysis. Based on the available evidence, the clinical significance of this variant remains unclear.

NM_000465.4(BARD1):c.1252C>A (p.Pro418Thr)

Gene: BARD1 (BRCA1 associated RING domain 1; minus strand). Cytogenetic location: 2q35.
Variant type: single nucleotide variant.
Coding change: c.1252C>A on transcript NM_000465.4 (MANE Select); coding-DNA position 1252, C replaced by A.
Protein change: p.Pro418Thr; replaces proline 418 with threonine.
Molecular consequence: missense variant. On other transcripts: non-coding transcript variant (2), intron variant (3).
Genome position (GRCh38, 1-based): chr2:214,780,622, G>T on the plus strand (C>A on the coding strand, the complement: BARD1 is on the minus strand). VCF-style: chr2-214780622-G-T. GRCh37 (hg19) VCF-style: chr2-215645346-G-T.
Other names: c.1195C>A, p.Pro399Thr (NM_001282543.2); c.159-28067C>A (NM_001282548.2); c.215+16439C>A (NM_001282545.2); c.364+11675C>A (NM_001282549.2); short protein forms P399T, P418T.
Identifiers: ClinVar variation 3260445 (VCV003260445.1).
Genomic context (GRCh38, chr2:214,780,622, plus strand): 5'-TAATAGAAGCAATATGGAGCAAAGTCTCTCCTCTATGATTTCTTTTCACAGCCATATTGG[G>T]CAACAGCTTCATTGCTGAGGGACTAGACATCACTCGCCTGTAACTTGAACTACTTAATGT-3'
Protein context (NP_000456.2, residues 408-428): MSSPSAMKLL[Pro418Thr]NMAVKRNHRG